The following is an entry in ClinVar:

NM_206937.2(LIG4):c.1383del (p.Glu461fs)

Gene: LIG4 (DNA ligase 4; minus strand). Cytogenetic location: 13q33.3.
Variant type: Deletion.
Coding change: c.1383del on transcript NM_206937.2 (MANE Select); coding-DNA position 1383, one base deleted (A; older notation c.1383delA).
Protein change: p.Glu461fs; shifts the reading frame from glutamic acid 461.
Molecular consequence: frameshift variant.
Genome position (GRCh38, 1-based): chr13:108,209,886, T deleted on the plus strand (A on the coding strand, the reverse complement: LIG4 is on the minus strand); the first of 2 consecutive T bases (chr13:108,209,886-108,209,887); deleting either gives the same sequence. VCF-style (leftmost placement, unchanged base first): chr13-108209885-AT-A. GRCh37 (hg19) VCF-style: chr13-108862233-AT-A.
Other names: c.1383del, p.Glu461fs (NM_001352599.2, NM_001352600.2, NM_001352601.2 and 6 more transcripts); c.1419del, p.Glu473fs (NM_001352604.2); c.1182del, p.Glu394fs (NM_001330595.2); short protein forms E473fs, E394fs, E461fs.
Identifiers: ClinVar variation 2721503 (VCV002721503.3), dbSNP rs2501602006, ClinGen allele CA2623644122.
Genomic context (GRCh38, chr13:108,209,885, plus strand): 5'-GAGACATCATTCCACCCCGTGATCCTTTACCCCAATATCCTCCAACAATTAAAATGTCCA[AT>A]TCATCCATTAGTCCACTGACATACTCTGGTTTAATTTTTAACCACCCTTCACCTCTTTTG-3'

ClinVar aggregate classification (germline): Pathogenic (1 of 4 stars; one submission).

Conditions:
DNA ligase IV deficiency. Identifiers: Orphanet 99812, MedGen C1847827, MONDO:0011686, OMIM 606593.

Submission:

Labcorp Genetics (formerly Invitae), Labcorp
Classification: Pathogenic for DNA ligase IV deficiency. Last evaluated: 2023-06-21. Review status: criteria provided, single submitter. Criteria: Invitae Variant Classification Sherloc (09022015). Collection method: clinical testing. Allele origin: germline.
Comment: For these reasons, this variant has been classified as Pathogenic. This variant disrupts a region of the LIG4 protein in which other variant(s) (p.Arg814*) have been determined to be pathogenic (PMID: 2489227, 7063650, 16088910, 24123394, 25239263, 27612988). This suggests that this is a clinically significant region of the protein, and that variants that disrupt it are likely to be disease-causing. This variant has not been reported in the literature in individuals affected with LIG4-related conditions. This variant is not present in population databases (gnomAD no frequency). This sequence change creates a premature translational stop signal (p.Glu461Aspfs*5) in the LIG4 gene. While this is not anticipated to result in nonsense mediated decay, it is expected to disrupt the last 451 amino acid(s) of the LIG4 protein.

Literature cited by the submitters: PubMed 2489227; PubMed 7063650; PubMed 16088910; PubMed 24123394; PubMed 25239263; PubMed 27612988.